The following is an entry in ClinVar:

NM_014053.4(FLVCR1):c.178_179delinsAT (p.Ala60Ile)

Genes: FLVCR1 (FLVCR choline and heme transporter 1; plus strand), LOC129932486 (ATAC-STARR-seq lymphoblastoid silent region 1807; plus strand). Cytogenetic location: 1q32.3.
Variant type: Indel.
Coding change: c.178_179delinsAT on transcript NM_014053.4 (MANE Select); coding-DNA positions 178 to 179, GC replaced by AT.
Protein change: p.Ala60Ile; replaces alanine 60 with isoleucine.
Molecular consequence: missense variant.
Genome position (GRCh38, 1-based): chr1:212,858,630-212,858,631, GC replaced by AT. VCF-style: chr1-212858630-GC-AT. GRCh37 (hg19) VCF-style: chr1-213031972-GC-AT.
Other names: short protein forms A60I.
Identifiers: ClinVar variation 1021896 (VCV001021896.8), dbSNP rs1664105472, ClinGen allele CA2485633152.

ClinVar aggregate classification (germline): Uncertain significance. Review status: criteria provided, multiple submitters, no conflicts (2 of 4 stars). 3 submissions from 3 submitters: Uncertain significance (3). Last evaluated 2026-07-01.

Submissions (3):

CeGaT Center for Human Genetics Tuebingen
Classification: Uncertain significance. Last evaluated: 2026-07-01. Review status: criteria provided, single submitter. Criteria: CeGaT Center For Human Genetics Tuebingen Variant Classification Criteria Version 2. Collection method: clinical testing. Allele origin: germline. Affected: yes. Observed: 1 variant allele.
Comment: FLVCR1: PM2, BP4

Women's Health and Genetics/Laboratory Corporation of America, LabCorp
Classification: Uncertain significance. Last evaluated: 2026-02-27. Review status: criteria provided, single submitter. Criteria: LabCorp Variant Classification Summary - May 2015. Collection method: clinical testing. Allele origin: germline.
Comment: Variant summary: FLVCR1 c.178_179delinsAT (p.Ala60Ile) results in a non-conservative amino acid change in the encoded protein sequence. Algorithms developed to predict the effect of missense changes on protein structure and function are either unavailable or do not agree on the potential impact of this missense change. The variant allele was found at a frequency of 1.4e-05 in 138690 control chromosomes (gnomAD). The available data on variant occurrences in the general population are insufficient to allow any conclusion about variant significance. To our knowledge, no occurrence of c.178_179delinsAT in individuals affected with FLVCR1-related conditions and no experimental evidence demonstrating its impact on protein function have been reported. ClinVar contains an entry for this variant (Variation ID: 1021896). Based on the evidence outlined above, the variant was classified as uncertain significance.

Labcorp Genetics (formerly Invitae), Labcorp
Classification: Uncertain significance. Last evaluated: 2024-10-26. Review status: criteria provided, single submitter. Criteria: Invitae Variant Classification Sherloc (09022015). Collection method: clinical testing. Allele origin: germline.
Comment: This variant, c.178_179delinsAT, is a complex sequence change that results in the deletion of alanine and insertion of isoleucine amino acid(s) in the FLVCR1 protein (p.Ala60Ile). This variant is present in population databases (no rsID available, gnomAD 0.001%). This variant has not been reported in the literature in individuals affected with FLVCR1-related conditions. ClinVar contains an entry for this variant (Variation ID: 1021896). An algorithm developed to predict the effect of missense changes on protein structure and function (PolyPhen-2) suggests that this variant¬†is likely to be tolerated. In summary, the available evidence is currently insufficient to determine the role of this variant in disease. Therefore, it has been classified as a Variant of Uncertain Significance.